The following is an entry in ClinVar:

NM_002660.3(PLCG1):c.590G>T (p.Arg197Leu)

Gene: PLCG1 (phospholipase C gamma 1; plus strand). Cytogenetic location: 20q12.
Variant type: single nucleotide variant.
Coding change: c.590G>T on transcript NM_002660.3 (MANE Select); coding-DNA position 590, G replaced by T.
Protein change: p.Arg197Leu; replaces arginine 197 with leucine.
Molecular consequence: missense variant.
Genome position (GRCh38, 1-based): chr20:41,162,529, G>T. VCF-style: chr20-41162529-G-T. GRCh37 (hg19) VCF-style: chr20-39791169-G-T.
Other names: NP_002651.2:p.(Arg197Leu); c.590G>T, p.Arg197Leu (NM_182811.2); short protein forms R197L.
Identifiers: ClinVar variation 3393335 (VCV003393335.2).
Genomic context (GRCh38, chr20:41,162,529, plus strand): 5'-TGAAGAACATGCTGTCCCAGGTCAACTACCGGGTCCCCAACATGCGCTTCCTCCGAGAGC[G>T]GCTGACGGTAAGTGCCACCCAGGGCTGTCTGTAGATGGGGGCAGGGGAAGCCAAGAGCCC-3'
Protein context (NP_002651.2, residues 187-207): RVPNMRFLRE[Arg197Leu]LTDLEQRSGD

ClinVar aggregate classification (germline): Uncertain significance (1 of 4 stars; one submission).

Conditions:
Immune dysregulation, autoimmunity, and autoinflammation (IDAA). Also called: ACTIVATING PLCG1 VARIANT-ASSOCIATED SYNDROME. Identifiers: MedGen C5848750, MONDO:0957790, OMIM 620514.

Submission:

Paediatric Laboratory, Institute for Maternal and Child Health - IRCCS Burlo Garofolo
Classification: Uncertain significance for Immune dysregulation, autoimmunity, and autoinflammation. Last evaluated: 2024-12-02. Review status: criteria provided, single submitter. Criteria: ACMG Guidelines, 2015. Collection method: clinical testing. Allele origin: germline. Affected: yes.
Comment: The NM_002660.3:c.590G>T variant is predicted to result in the substitution of the arginine residue at position 197 with a leucine. This variant is absent from the gnomAD v4.1.0 population database [PM2] and occurs in a gene with low tolerance for benign missense variation, as indicated by a Z-score > 3 for missense variants [PP2]. However, multiple lines of computational evidence suggest little to no impact on the gene or its product [BP4].